The following is an entry in ClinVar:

NM_201384.3(PLEC):c.2105C>T (p.Thr702Met)

Gene: PLEC (plectin; minus strand). Cytogenetic location: 8q24.3.
Variant type: single nucleotide variant.
Coding change: c.2105C>T on transcript NM_201384.3 (MANE Select); coding-DNA position 2105, C replaced by T.
Protein change: p.Thr702Met; replaces threonine 702 with methionine.
Molecular consequence: missense variant.
Genome position (GRCh38, 1-based): chr8:143,932,010, G>A on the plus strand (C>T on the coding strand, the complement: PLEC is on the minus strand). VCF-style: chr8-143932010-G-A. GRCh37 (hg19) VCF-style: chr8-145006178-G-A.
Other names: c.2186C>T, p.Thr729Met (NM_000445.5); c.2063C>T, p.Thr688Met (NM_201378.4); c.2039C>T, p.Thr680Met (NM_201379.3); c.2516C>T, p.Thr839Met (NM_201380.4); c.2009C>T, p.Thr670Met (NM_201381.3); c.2105C>T, p.Thr702Met (NM_201382.4); c.2117C>T, p.Thr706Met (NM_201383.3); short protein forms T670M, T729M, T702M, T688M, T680M, T706M, T839M.
Identifiers: ClinVar variation 1523535 (VCV001523535.7), dbSNP rs782793434, ClinGen allele CA4927649.

ClinVar aggregate classification (germline): Uncertain significance. Review status: criteria provided, multiple submitters, no conflicts (2 of 4 stars). 2 submissions from 2 submitters: Uncertain significance (2). Last evaluated 2022-10-07.

Conditions:
Epidermolysis bullosa simplex 5B, with muscular dystrophy (EBS5B). Also called: EPIDERMOLYSIS BULLOSA SIMPLEX AND LIMB-GIRDLE MUSCULAR DYSTROPHY; Epidermolysis bullosa simplex with muscular dystrophy. Identifiers: Orphanet 257, MedGen C2931072, MONDO:0009181, OMIM 226670.
Epidermolysis bullosa simplex with nail dystrophy (EBS5D). Identifiers: MedGen C4225309, MONDO:0014661, OMIM 616487.
Junctional epidermolysis bullosa with pyloric atresia. Also called: APLASIA CUTIS CONGENITA WITH GASTROINTESTINAL ATRESIA; CARMI SYNDROME; EB-PA-ACC; Epidermolysis bullosa, junctional, with pyloric atresia and aplasia cutis congenita; Epidermolysis bullosa junctionalis with pyloric atresia; EPIDERMOLYSIS BULLOSA, JUNCTIONAL 5B, WITH PYLORIC ATRESIA. Identifiers: Orphanet 79403, MedGen C5676875, MONDO:0009183, OMIM 226730.
Epidermolysis bullosa simplex, Ogna type (EBS5A). Also called: Pidermolysis bullosa simplex 5A, Ogna type; EPIDERMOLYSIS BULLOSA SIMPLEX 5A, OGNA TYPE. Identifiers: Orphanet 79401, MedGen C0432317, MONDO:0007555, OMIM 131950.
Epidermolysis bullosa simplex 5C, with pyloric atresia (EBS5C). Also called: PLEC-Related Epidermolysis Bullosa with Pyloric Atresia; Epidermolysis bullosa simplex with pyloric atresia; PLEC1-Related Epidermolysis Bullosa with Pyloric Atresia. Identifiers: Orphanet 158684, MedGen C2677349, MONDO:0012807, OMIM 612138.
Autosomal recessive limb-girdle muscular dystrophy type 2Q (LGMDR17). Also called: MUSCULAR DYSTROPHY, LIMB-GIRDLE, AUTOSOMAL RECESSIVE 17. Identifiers: Orphanet 254361, MedGen C3150989, MONDO:0013390, OMIM 613723.

Allele frequency attached by ClinVar (database versions not stated): gnomAD 0.00001; gnomAD exomes 0.00001 and 0.00002; TOPMed 0.00001; ExAC 0.00003.
gnomAD v4.1: 24 of 1,604,488 alleles (0.0015%); highest among the groups gnomAD compares: Admixed American, 0.0034%; no homozygotes.

Submissions (2):

Labcorp Genetics (formerly Invitae), Labcorp
Classification: Uncertain significance for Autosomal recessive limb-girdle muscular dystrophy type 2Q; Epidermolysis bullosa simplex, Ogna type; Epidermolysis bullosa simplex with nail dystrophy; Epidermolysis bullosa simplex 5C, with pyloric atresia; Epidermolysis bullosa simplex 5B, with muscular dystrophy. Last evaluated: 2022-10-07. Review status: criteria provided, single submitter. Criteria: Invitae Variant Classification Sherloc (09022015). Collection method: clinical testing. Allele origin: germline.
Comment: In summary, the available evidence is currently insufficient to determine the role of this variant in disease. Therefore, it has been classified as a Variant of Uncertain Significance. Advanced modeling of protein sequence and biophysical properties (such as structural, functional, and spatial information, amino acid conservation, physicochemical variation, residue mobility, and thermodynamic stability) performed at Invitae indicates that this missense variant is not expected to disrupt PLEC protein function. ClinVar contains an entry for this variant (Variation ID: 1523535). This variant has not been reported in the literature in individuals affected with PLEC-related conditions. This variant is present in population databases (rs782793434, gnomAD 0.006%). This sequence change replaces threonine, which is neutral and polar, with methionine, which is neutral and non-polar, at codon 729 of the PLEC protein (p.Thr729Met).

Department of Pathology and Laboratory Medicine, Sinai Health System
Classification: Uncertain significance for Epidermolysis bullosa simplex, Ogna type; Epidermolysis bullosa simplex 5B, with muscular dystrophy; Junctional epidermolysis bullosa with pyloric atresia; Epidermolysis bullosa simplex 5C, with pyloric atresia; Autosomal recessive limb-girdle muscular dystrophy type 2Q; Epidermolysis bullosa simplex with nail dystrophy. Last evaluated: 2022-08-17. Review status: criteria provided, single submitter. Criteria: ACMG Guidelines, 2015. Collection method: research. Allele origin: germline.